The following is an entry in ClinVar:

NM_032043.3(BRIP1):c.2972C>T (p.Pro991Leu)

Gene: BRIP1 (BRCA1 interacting DNA helicase 1; minus strand). Cytogenetic location: 17q23.2.
Variant type: single nucleotide variant.
Coding change: c.2972C>T on transcript NM_032043.3 (MANE Select); coding-DNA position 2972, C replaced by T.
Protein change: p.Pro991Leu; replaces proline 991 with leucine.
Molecular consequence: missense variant.
Genome position (GRCh38, 1-based): chr17:61,684,074, G>A on the plus strand (C>T on the coding strand, the complement: BRIP1 is on the minus strand). VCF-style: chr17-61684074-G-A. GRCh37 (hg19) VCF-style: chr17-59761435-G-A.
Other names: short protein forms P991L.
Identifiers: ClinVar variation 942708 (VCV000942708.13), dbSNP rs2061324725, ClinGen allele CA400480632.
Genomic context (GRCh38, chr17:61,684,074, plus strand): 5'-TACTGTCCCAAAGAATTAAAGCTTGACCAGCTAACTCTCTTTGTTTGTTTGTTGAAAGTT[G>A]GGCTTGTGGATCTGGAAATCACAATTTTTTCTGCTTTCCCTGCTTCTTCCAGGAATACTG-3'
Protein context (NP_114432.2, residues 981-1001): EKIVISRSTS[Pro991Leu]TFNKQTKRVS

ClinVar aggregate classification (germline): Uncertain significance. Review status: criteria provided, multiple submitters, no conflicts (2 of 4 stars). 2 submissions from 2 submitters: Uncertain significance (2). Last evaluated 2022-06-04.

Conditions:
Familial cancer of breast. Also called: BREAST CANCER, FAMILIAL; Hereditary breast cancer; hereditary breast carcinoma. Identifiers: Orphanet 227535, MedGen C0346153, MONDO:0016419, OMIM 114480. Disease mechanism: loss of function.
Fanconi anemia complementation group J. Also called: BRIP1-Related Fanconi Anemia. Identifiers: Orphanet 84, MedGen C1836860, MONDO:0012187, OMIM 609054.
Hereditary cancer-predisposing syndrome. Also called: Neoplastic Syndromes, Hereditary; Hereditary neoplastic syndrome; Hereditary Cancer Syndrome; Tumor predisposition. Identifiers: Orphanet 140162, MedGen C0027672, MeSH D009386, MONDO:0015356.

Submissions (2):

Ambry Genetics
Classification: Uncertain significance for Hereditary cancer-predisposing syndrome. Last evaluated: 2022-06-04. Review status: criteria provided, single submitter. Criteria: Ambry Variant Classification Scheme 2023. Collection method: clinical testing. Allele origin: germline.
Comment: The p.P991L variant (also known as c.2972C>T), located in coding exon 19 of the BRIP1 gene, results from a C to T substitution at nucleotide position 2972. The proline at codon 991 is replaced by leucine, an amino acid with similar properties. This amino acid position is conserved. In addition, the in silico prediction for this alteration is inconclusive. Since supporting evidence is limited at this time, the clinical significance of this alteration remains unclear.

Labcorp Genetics (formerly Invitae), Labcorp
Classification: Uncertain significance for Familial cancer of breast; Fanconi anemia complementation group J. Last evaluated: 2019-06-25. Review status: criteria provided, single submitter. Criteria: Invitae Variant Classification Sherloc (09022015). Collection method: clinical testing. Allele origin: germline.
Comment: In summary, the available evidence is currently insufficient to determine the role of this variant in disease. Therefore, it has been classified as a Variant of Uncertain Significance. Algorithms developed to predict the effect of missense changes on protein structure and function are either unavailable or do not agree on the potential impact of this missense change (SIFT: "Tolerated"; PolyPhen-2: "Possibly Damaging"; Align-GVGD: "Class C0"). This variant has not been reported in the literature in individuals with BRIP1-related conditions. This variant is not present in population databases (ExAC no frequency). This sequence change replaces proline with leucine at codon 991 of the BRIP1 protein (p.Pro991Leu). The proline residue is weakly conserved and there is a moderate physicochemical difference between proline and leucine.